The following is an entry in ClinVar:

ClinVar aggregate classification (germline): Uncertain significance (1 of 4 stars; one submission).

Conditions:
Erythrocytosis, familial, 3 (ECYT3). Identifiers: Orphanet 247511, MedGen C1853286, MONDO:0012353, OMIM 609820.

Submission:

Labcorp Genetics (formerly Invitae), Labcorp
Classification: Uncertain significance for Erythrocytosis, familial, 3. Last evaluated: 2025-10-07. Review status: criteria provided, single submitter. Criteria: Invitae Variant Classification Sherloc (09022015). Collection method: clinical testing. Allele origin: germline.
Comment: This sequence change replaces glycine, which is neutral and non-polar, with serine, which is neutral and polar, at codon 6 of the EGLN1 protein (p.Gly6Ser). This variant is not present in population databases (gnomAD no frequency). This variant has not been reported in the literature in individuals affected with EGLN1-related conditions. An algorithm developed to predict the effect of missense changes on protein structure and function (PolyPhen-2) suggests that this variant is likely to be disruptive. In summary, the available evidence is currently insufficient to determine the role of this variant in disease. Therefore, it has been classified as a Variant of Uncertain Significance.

NM_022051.3(EGLN1):c.16G>A (p.Gly6Ser)

Gene: EGLN1 (egl-9 family hypoxia inducible factor 1; minus strand). Cytogenetic location: 1q42.2.
Variant type: single nucleotide variant.
Coding change: c.16G>A on transcript NM_022051.3 (MANE Select); coding-DNA position 16, G replaced by A.
Protein change: p.Gly6Ser; replaces glycine 6 with serine.
Molecular consequence: missense variant.
Genome position (GRCh38, 1-based): chr1:231,421,873, C>T on the plus strand (G>A on the coding strand, the complement: EGLN1 is on the minus strand). VCF-style: chr1-231421873-C-T. GRCh37 (hg19) VCF-style: chr1-231557619-C-T.
Other names: c.16G>A, p.Gly6Ser (NM_001377260.1, NM_001377261.1); short protein forms G6S.
Identifiers: ClinVar variation 4703356 (VCV004703356.1).